The following is an entry in ClinVar:

ClinVar aggregate classification (germline): Likely benign (0 of 4 stars; one submission).

Conditions:
CPOX-related disorder. Also called: CPOX-related condition; CPOX-related disorders.

Submission:

PreventionGenetics, part of Exact Sciences
Classification: Likely benign for CPOX-related condition. Last evaluated: 2019-05-02. Review status: no assertion criteria provided. Collection method: clinical testing. Allele origin: germline.
Comment: This variant is classified as likely benign based on ACMG/AMP sequence variant interpretation guidelines (Richards et al. 2015 PMID: 25741868, with internal and published modifications).

NM_000097.7(CPOX):c.153T>G (p.Pro51=)

Genes: CPOX (coproporphyrinogen oxidase; minus strand), LOC129937121 (ATAC-STARR-seq lymphoblastoid silent region 14560; plus strand). Cytogenetic location: 3q11.2.
Variant type: single nucleotide variant.
Coding change: c.153T>G on transcript NM_000097.7 (MANE Select); coding-DNA position 153, T replaced by G.
Protein change: p.Pro51=; no amino-acid change (proline 51 retained).
Molecular consequence: synonymous variant.
Genome position (GRCh38, 1-based): chr3:98,593,352, A>C on the plus strand (T>G on the coding strand, the complement: CPOX is on the minus strand). VCF-style: chr3-98593352-A-C. GRCh37 (hg19) VCF-style: chr3-98312196-A-C.
Identifiers: ClinVar variation 3038176 (VCV003038176.2), dbSNP rs2472122665, ClinGen allele CA434876086.
Genomic context (GRCh38, chr3:98,593,352, plus strand): 5'-GCCGCCTCTCGACGTCGAGCCGTGCCCCAGCCCGCGGCTCTGCTCCGTGCCAGCCGGGCC[A>C]GGGGGCCGGCAGACGCGTCCGGCTGCGCTGCGCTGGGACCAGGCTCGGAGCCCTCCGCCG-3'
Protein context (NP_000088.3, residues 41-61): RSAAGRVCRP[Pro51=]GPAGTEQSRG